The following is an entry in ClinVar:

NM_020041.3(SLC2A9):c.625A>T (p.Ile209Phe)

Gene: SLC2A9 (solute carrier family 2 member 9; minus strand). Cytogenetic location: 4p16.1.
Variant type: single nucleotide variant.
Coding change: c.625A>T on transcript NM_020041.3 (MANE Select); coding-DNA position 625, A replaced by T.
Protein change: p.Ile209Phe; replaces isoleucine 209 with phenylalanine.
Molecular consequence: missense variant.
Genome position (GRCh38, 1-based): chr4:9,980,648, T>A on the plus strand (A>T on the coding strand, the complement: SLC2A9 is on the minus strand). VCF-style: chr4-9980648-T-A. GRCh37 (hg19) VCF-style: chr4-9982272-T-A.
Other names: c.538A>T, p.Ile180Phe (NM_001001290.2); short protein forms I180F, I209F.
Identifiers: ClinVar variation 1970760 (VCV001970760.2), dbSNP rs754348575, ClinGen allele CA2857165.

ClinVar aggregate classification (germline): Uncertain significance (1 of 4 stars; one submission).

Allele frequency attached by ClinVar (database versions not stated): gnomAD 0.00001; gnomAD exomes 0.00001; ExAC 0.00002.
gnomAD v4.1: 9 of 1,614,002 alleles (0.00056%); highest among the groups gnomAD compares: South Asian, 0.0099%; no homozygotes.

Submission:

Labcorp Genetics (formerly Invitae), Labcorp
Classification: Uncertain significance. Last evaluated: 2022-01-10. Review status: criteria provided, single submitter. Criteria: Invitae Variant Classification Sherloc (09022015). Collection method: clinical testing. Allele origin: germline.
Comment: This sequence change replaces isoleucine, which is neutral and non-polar, with phenylalanine, which is neutral and non-polar, at codon 209 of the SLC2A9 protein (p.Ile209Phe). This variant is present in population databases (rs754348575, gnomAD 0.02%). This variant has not been reported in the literature in individuals affected with SLC2A9-related conditions. Algorithms developed to predict the effect of missense changes on protein structure and function are either unavailable or do not agree on the potential impact of this missense change (SIFT: "Deleterious"; PolyPhen-2: "Probably Damaging"; Align-GVGD: "Class C0"). In summary, the available evidence is currently insufficient to determine the role of this variant in disease. Therefore, it has been classified as a Variant of Uncertain Significance.